The following is an entry in ClinVar:

NM_000426.4(LAMA2):c.6234A>G (p.Lys2078=)

Genes: LAMA2 (laminin subunit alpha 2; plus strand), LOC123864065 (Sharpr-MPRA regulatory region 661; plus strand). Cytogenetic location: 6q22.33.
Variant type: single nucleotide variant.
Coding change: c.6234A>G on transcript NM_000426.4 (MANE Select); coding-DNA position 6234, A replaced by G.
Protein change: p.Lys2078=; no amino-acid change (lysine 2078 retained).
Molecular consequence: synonymous variant.
Genome position (GRCh38, 1-based): chr6:129,440,964, A>G. VCF-style: chr6-129440964-A-G. GRCh37 (hg19) VCF-style: chr6-129762109-A-G.
Other names: p.Lys2078=; c.6234A>G, p.Lys2078= (NM_001079823.2).
Identifiers: ClinVar variation 129440 (VCV000129440.20), dbSNP rs56920166, ClinGen allele CA153445.

ClinVar aggregate classification (germline): Benign. Review status: criteria provided, multiple submitters, no conflicts (2 of 4 stars). 5 submissions from 5 submitters: Benign (4). 1 of the submissions does not count toward it. Last evaluated 2026-02-02.

Conditions:
LAMA2-related muscular dystrophy (LAMA2-RD). Also called: Laminin alpha 2-related dystrophy. Identifiers: MedGen C5679788, MONDO:0100228.
Congenital muscular dystrophy due to partial LAMA2 deficiency. Identifiers: MedGen C1842898.

Allele frequency attached by ClinVar (database versions not stated): gnomAD exomes 0.00134 and 0.00353; ExAC 0.00436; gnomAD 0.01372 and 0.01481; TOPMed 0.01570; ESP Exome Variant Server 0.01638; 1000 Genomes Project 0.01797; 1000 Genomes Project 30x 0.01811.
gnomAD v4.1: 4,112 of 1,613,850 alleles (0.25%); highest among the groups gnomAD compares: African/African-American, 4.9%; 103 homozygotes.

Submissions (5):

Labcorp Genetics (formerly Invitae), Labcorp
Classification: Benign for LAMA2-related muscular dystrophy. Last evaluated: 2026-02-02. Review status: criteria provided, single submitter. Criteria: Invitae Variant Classification Sherloc (09022015). Collection method: clinical testing. Allele origin: germline.

Mayo Clinic Laboratories, Mayo Clinic
Classification: Benign. Last evaluated: 2022-01-11. Review status: criteria provided, single submitter. Criteria: ACMG Guidelines, 2015. Collection method: clinical testing. Allele origin: germline. Observed: 20 variant alleles.

Illumina Laboratory Services, Illumina
Classification: Benign for Congenital muscular dystrophy due to partial LAMA2 deficiency. Last evaluated: 2018-01-13. Review status: criteria provided, single submitter. Criteria: ICSL Variant Classification Criteria 13 December 2019. Collection method: clinical testing. Allele origin: germline.
Comment: This variant was observed in the ICSL laboratory as part of a predisposition screen in an ostensibly healthy population. It had not been previously curated by ICSL or reported in the Human Gene Mutation Database (HGMD: prior to June 1st, 2018), and was therefore a candidate for classification through an automated scoring system. Utilizing variant allele frequency, disease prevalence and penetrance estimates, and inheritance mode, an automated score was calculated to assess if this variant is too frequent to cause the disease. Based on the score and internal cut-off values, a variant classified as benign is not then subjected to further curation. The score for this variant resulted in a classification of benign for this disease.

GeneDx
Classification: Benign. Last evaluated: 2016-03-25. Review status: criteria provided, single submitter. Criteria: GeneDx Variant Classification (06012015). Collection method: clinical testing. Allele origin: germline. Affected: yes.
Comment: This variant is considered likely benign or benign based on one or more of the following criteria: it is a conservative change, it occurs at a poorly conserved position in the protein, it is predicted to be benign by multiple in silico algorithms, and/or has population frequency not consistent with disease.

Genetic Services Laboratory, University of Chicago
Classification: Likely benign for AllHighlyPenetrant. Review status: no assertion criteria provided. Collection method: clinical testing. Allele origin: germline. Inheritance: Autosomal recessive inheritance. Not counted in ClinVar's aggregate classification.
Comment: Likely benign based on allele frequency in 1000 Genomes Project or ESP global frequency and its presence in a patient with a rare or unrelated disease phenotype. NOT Sanger confirmed.